The following is an entry in ClinVar:

ClinVar aggregate classification (germline): Uncertain significance. Review status: criteria provided, multiple submitters, no conflicts (2 of 4 stars). 2 submissions from 2 submitters: Uncertain significance (2). Last evaluated 2025-11-13.

gnomAD v4.1: 2 of 1,612,790 alleles (0.00012%); highest among the groups gnomAD compares: African/African-American, 0.0027%; no homozygotes.

Submissions (2):

Ambry Genetics
Classification: Uncertain significance. Last evaluated: 2025-11-13. Review status: criteria provided, single submitter. Criteria: Ambry Variant Classification Scheme 2023. Collection method: clinical testing. Allele origin: germline.

Labcorp Genetics (formerly Invitae), Labcorp
Classification: Uncertain significance. Last evaluated: 2025-03-19. Review status: criteria provided, single submitter. Criteria: Invitae Variant Classification Sherloc (09022015). Collection method: clinical testing. Allele origin: germline.
Comment: This sequence change replaces glutamine, which is neutral and polar, with lysine, which is basic and polar, at codon 315 of the NIN protein (p.Gln315Lys). This variant is present in population databases (no rsID available, gnomAD 0.007%). This variant has not been reported in the literature in individuals affected with NIN-related conditions. An algorithm developed to predict the effect of missense changes on protein structure and function (PolyPhen-2) suggests that this variant is likely to be tolerated. In summary, the available evidence is currently insufficient to determine the role of this variant in disease. Therefore, it has been classified as a Variant of Uncertain Significance.

NM_020921.4(NIN):c.943C>A (p.Gln315Lys)

Gene: NIN (ninein; minus strand). Cytogenetic location: 14q22.1.
Variant type: single nucleotide variant.
Coding change: c.943C>A on transcript NM_020921.4 (MANE Select); coding-DNA position 943, C replaced by A.
Protein change: p.Gln315Lys; replaces glutamine 315 with lysine.
Molecular consequence: missense variant.
Genome position (GRCh38, 1-based): chr14:50,772,339, G>T on the plus strand (C>A on the coding strand, the complement: NIN is on the minus strand). VCF-style: chr14-50772339-G-T. GRCh37 (hg19) VCF-style: chr14-51239057-G-T.
Other names: c.943C>A, p.Gln315Lys (NM_016350.5, NM_182944.3, NM_182946.2); short protein forms Q315K.
Identifiers: ClinVar variation 4557686 (VCV004557686.2).